The following is an entry in ClinVar:

ClinVar aggregate classification (germline): Conflicting classifications of pathogenicity. Review status: criteria provided, conflicting classifications (1 of 4 stars). 3 submissions from 3 submitters: Uncertain significance (2); Likely benign (1). Last evaluated 2021-11-07.

Conditions:
Tuberous sclerosis 2 (TSC2). Identifiers: Orphanet 805, MedGen C1860707, MONDO:0013199, OMIM 613254.

Submissions (3):

Genome-Nilou Lab
Classification: Uncertain significance for Tuberous sclerosis 2. Last evaluated: 2021-11-07. Review status: criteria provided, single submitter. Criteria: ACMG Guidelines, 2015. Collection method: clinical testing. Allele origin: germline. Affected: no.

Labcorp Genetics (formerly Invitae), Labcorp
Classification: Uncertain significance for Tuberous sclerosis 2. Last evaluated: 2018-11-24. Review status: criteria provided, single submitter. Criteria: Invitae Variant Classification Sherloc (09022015). Collection method: clinical testing. Allele origin: germline.
Comment: In summary, the available evidence is currently insufficient to determine the role of this variant in disease. Therefore, it has been classified as a Variant of Uncertain Significance. Loss-of-function variants in TSC2 are known to be pathogenic (PMID: 10205261, 17304050). However, exon 26 (sometimes referred to as exon 25 in the literature) has been shown to undergo alternative splicing and results in transcripts lacking exon 26 in many adult human tissues (PMID: 26703369). Symptoms restricted to specific cell types or adverse effects on the early developmental stages cannot be excluded if there is some expression of the rare exon 26 inclusion transcripts with this variant. This variant has not been reported in the literature in individuals with TSC2-related conditions. ClinVar contains an entry for this variant (Variation ID: 373278). This variant is not present in population databases (ExAC no frequency). This sequence change results in a premature translational stop signal in the TSC2 gene (p.Leu957*).

GeneDx
Classification: Likely benign. Last evaluated: 2017-01-11. Review status: criteria provided, single submitter. Criteria: GeneDx Variant Classification (06012015). Collection method: clinical testing. Allele origin: germline. Affected: yes.
Comment: This variant is considered likely benign or benign based on one or more of the following criteria: it is a conservative change, it occurs at a poorly conserved position in the protein, it is predicted to be benign by multiple in silico algorithms, and/or has population frequency not consistent with disease.

Literature cited by the submitters: PubMed 10205261 (cited by Labcorp Genetics (formerly Invitae), Labcorp); PubMed 17304050 (cited by Labcorp Genetics (formerly Invitae), Labcorp); PubMed 26703369 (cited by Labcorp Genetics (formerly Invitae), Labcorp).

NM_000548.5(TSC2):c.2868del (p.Gly956_Leu957insTer)

Gene: TSC2 (TSC complex subunit 2; plus strand). Cytogenetic location: 16p13.3.
Variant type: Deletion.
Coding change: c.2868del on transcript NM_000548.5 (MANE Select); coding-DNA position 2868, one base deleted (C; older notation c.2868delC).
Protein change: p.Gly956_Leu957insTer.
Molecular consequence: frameshift variant. On other transcripts: intron variant (9).
Genome position (GRCh38, 1-based): chr16:2,077,628, C deleted. VCF-style (leftmost placement, unchanged base first): chr16-2077627-GC-G. GRCh37 (hg19) VCF-style: chr16-2127628-GC-G.
Other names: c.2868del, p.Gly956_Leu957insTer (NM_001114382.3); c.2837+1043del (NM_021055.3, NM_001370405.1, NM_001363528.2 and 2 more transcripts); c.2726+1043del (NM_001318827.2); c.2237+1043del (NM_001318831.2); c.2690+1043del (NM_001318829.2); c.2870+1043del (NM_001318832.2).
Identifiers: ClinVar variation 373278 (VCV000373278.12), dbSNP rs1057518322, ClinGen allele CA16043065.
Genomic context (GRCh38, chr16:2,077,627, plus strand): 5'-GGGGCGTTGGGGCTCCTTCCTCACCCGATAGTCTGAGGATAGCCAGACCCCCCAAACAAG[GC>G]TTGAATAACTCTCCACCCGTGAAAGAATTCAAGGAGAGCTCTGCAGCCGAGGCCTTCCGG-3'